The following is an entry in ClinVar:

ClinVar aggregate classification (germline): Pathogenic (1 of 4 stars; one submission).

Submission:

CeGaT Center for Human Genetics Tuebingen
Classification: Pathogenic. Last evaluated: 2025-04-01. Review status: criteria provided, single submitter. Criteria: CeGaT Center For Human Genetics Tuebingen Variant Classification Criteria Version 2. Collection method: clinical testing. Allele origin: germline. Affected: yes. Observed: 1 variant allele.
Comment: MRE11: PVS1, PM2

NM_005591.4(MRE11):c.1922C>G (p.Ser641Ter)

Gene: MRE11 (MRE11 double strand break repair nuclease; minus strand). Cytogenetic location: 11q21.
Variant type: single nucleotide variant.
Coding change: c.1922C>G on transcript NM_005591.4 (MANE Select); coding-DNA position 1922, C replaced by G.
Protein change: p.Ser641Ter; replaces serine 641 with a stop codon.
Molecular consequence: nonsense.
Genome position (GRCh38, 1-based): chr11:94,437,181, G>C on the plus strand (C>G on the coding strand, the complement: MRE11 is on the minus strand). VCF-style: chr11-94437181-G-C. GRCh37 (hg19) VCF-style: chr11-94170347-G-C.
Other names: c.1919C>G, p.Ser640Ter (NM_001330347.2); c.1838C>G, p.Ser613Ter (NM_005590.4); short protein forms S613*, S640*, S641*.
Identifiers: ClinVar variation 3898611 (VCV003898611.7).